The following is an entry in ClinVar:

NM_000400.4(ERCC2):c.649A>G (p.Ile217Val)

Gene: ERCC2 (ERCC excision repair 2, TFIIH core complex helicase subunit; minus strand). Cytogenetic location: 19q13.32.
Variant type: single nucleotide variant.
Coding change: c.649A>G on transcript NM_000400.4 (MANE Select); coding-DNA position 649, A replaced by G.
Protein change: p.Ile217Val; replaces isoleucine 217 with valine.
Molecular consequence: missense variant.
Genome position (GRCh38, 1-based): chr19:45,364,493, T>C on the plus strand (A>G on the coding strand, the complement: ERCC2 is on the minus strand). VCF-style: chr19-45364493-T-C. GRCh37 (hg19) VCF-style: chr19-45867751-T-C.
Other names: c.577A>G, p.Ile193Val (NM_001130867.2); short protein forms I193V, I217V.
Identifiers: ClinVar variation 3690790 (VCV003690790.2).

ClinVar aggregate classification (germline): Uncertain significance (1 of 4 stars; one submission).

Submission:

Labcorp Genetics (formerly Invitae), Labcorp
Classification: Uncertain significance. Last evaluated: 2024-02-23. Review status: criteria provided, single submitter. Criteria: Invitae Variant Classification Sherloc (09022015). Collection method: clinical testing. Allele origin: germline.
Comment: This sequence change replaces isoleucine, which is neutral and non-polar, with valine, which is neutral and non-polar, at codon 217 of the ERCC2 protein (p.Ile217Val). This variant is not present in population databases (gnomAD no frequency). This variant has not been reported in the literature in individuals affected with ERCC2-related conditions. Advanced modeling of protein sequence and biophysical properties (such as structural, functional, and spatial information, amino acid conservation, physicochemical variation, residue mobility, and thermodynamic stability) performed at Invitae indicates that this missense variant is not expected to disrupt ERCC2 protein function with a negative predictive value of 80%. In summary, the available evidence is currently insufficient to determine the role of this variant in disease. Therefore, it has been classified as a Variant of Uncertain Significance.